The following is an entry in ClinVar:

NM_015158.5(KANK1):c.3050C>A (p.Ser1017Tyr)

Gene: KANK1 (KN motif and ankyrin repeat domains 1; plus strand). Cytogenetic location: 9p24.3.
Variant type: single nucleotide variant.
Coding change: c.3050C>A on transcript NM_015158.5 (MANE Select); coding-DNA position 3050, C replaced by A.
Protein change: p.Ser1017Tyr; replaces serine 1017 with tyrosine.
Molecular consequence: missense variant. On other transcripts: intron variant (5).
Genome position (GRCh38, 1-based): chr9:732,422, C>A. VCF-style: chr9-732422-C-A. GRCh37 (hg19) VCF-style: chr9-732422-C-A.
Other names: c.3050C>A, p.Ser1017Tyr (NM_001256876.3, NM_001256877.3, NM_001354334.2); c.2996C>A, p.Ser999Tyr (NM_001354332.2); c.2576C>A, p.Ser859Tyr (NM_001354333.2, NM_001354335.2, NM_001354337.2 and 2 more transcripts); c.2522C>A, p.Ser841Tyr (NM_001354338.2, NM_001354340.2, NM_001354344.2); c.3005+1156C>A (NM_001354331.2); c.2477+1156C>A (NM_001354336.2); c.2531+1156C>A (NM_001354339.2, NM_001354343.2, NM_001354342.2); c.3050C>A (NM_015158.2); short protein forms S841Y, S1017Y, S859Y, S999Y.
Identifiers: ClinVar variation 1524419 (VCV001524419.7), dbSNP rs767597016, ClinGen allele CA372757050.

ClinVar aggregate classification (germline): Conflicting classifications of pathogenicity. Review status: criteria provided, conflicting classifications (1 of 4 stars). 2 submissions from 2 submitters: Uncertain significance (1); Likely benign (1). Last evaluated 2025-07-02.

gnomAD v4.1: 8 of 1,614,000 alleles (0.0005%); highest among the groups gnomAD compares: Admixed American, 0.013%; no homozygotes.

Submissions (2):

Ambry Genetics
Classification: Likely benign. Last evaluated: 2025-07-02. Review status: criteria provided, single submitter. Criteria: Ambry Variant Classification Scheme 2023. Collection method: clinical testing. Allele origin: germline.

Labcorp Genetics (formerly Invitae), Labcorp
Classification: Uncertain significance. Last evaluated: 2022-12-07. Review status: criteria provided, single submitter. Criteria: Invitae Variant Classification Sherloc (09022015). Collection method: clinical testing. Allele origin: germline.
Comment: This sequence change replaces serine, which is neutral and polar, with tyrosine, which is neutral and polar, at codon 1017 of the KANK1 protein (p.Ser1017Tyr). In summary, the available evidence is currently insufficient to determine the role of this variant in disease. Therefore, it has been classified as a Variant of Uncertain Significance. Advanced modeling of protein sequence and biophysical properties (such as structural, functional, and spatial information, amino acid conservation, physicochemical variation, residue mobility, and thermodynamic stability) performed at Invitae indicates that this missense variant is expected to disrupt KANK1 protein function. ClinVar contains an entry for this variant (Variation ID: 1524419). This variant has not been reported in the literature in individuals affected with KANK1-related conditions. This variant is present in population databases (no rsID available, gnomAD 0.01%).